The following is an entry in ClinVar:

NM_001184.4(ATR):c.1279A>C (p.Ile427Leu)

Gene: ATR (ATR checkpoint kinase; minus strand). Cytogenetic location: 3q23.
Variant type: single nucleotide variant.
Coding change: c.1279A>C on transcript NM_001184.4 (MANE Select); coding-DNA position 1279, A replaced by C.
Protein change: p.Ile427Leu; replaces isoleucine 427 with leucine.
Molecular consequence: missense variant.
Genome position (GRCh38, 1-based): chr3:142,561,313, T>G on the plus strand (A>C on the coding strand, the complement: ATR is on the minus strand). VCF-style: chr3-142561313-T-G. GRCh37 (hg19) VCF-style: chr3-142280155-T-G.
Other names: c.1279A>C, p.Ile427Leu (NM_001354579.2); short protein forms I427L.
Identifiers: ClinVar variation 2613911 (VCV002613911.5), dbSNP rs750609381, ClinGen allele CA354823254.
Genomic context (GRCh38, chr3:142,561,313, plus strand): 5'-GTTTTGGTGCTCTTTTAGAAGGGTTTAGAGACGAGCTGAGACGACGCCTTTTGGGTGATA[T>G]TCCATCACTATTACTGCTGAGGTTTTCCTGTTGAGTTTGGCATTGAATCTCCTCAATGAT-3'
Protein context (NP_001175.2, residues 417-437): QENLSSNSDG[Ile427Leu]SPKRRRLSSS

ClinVar aggregate classification (germline): Uncertain significance. Review status: criteria provided, multiple submitters, no conflicts (2 of 4 stars). 2 submissions from 2 submitters: Uncertain significance (2). Last evaluated 2024-07-21.

Conditions:
Inborn genetic diseases. Identifiers: MedGen C0950123, MeSH D030342.

Submissions (2):

Labcorp Genetics (formerly Invitae), Labcorp
Classification: Uncertain significance. Last evaluated: 2024-07-21. Review status: criteria provided, single submitter. Criteria: Invitae Variant Classification Sherloc (09022015). Collection method: clinical testing. Allele origin: germline.
Comment: This sequence change replaces isoleucine, which is neutral and non-polar, with leucine, which is neutral and non-polar, at codon 427 of the ATR protein (p.Ile427Leu). This variant is not present in population databases (gnomAD no frequency). This variant has not been reported in the literature in individuals affected with ATR-related conditions. ClinVar contains an entry for this variant (Variation ID: 2613911). An algorithm developed to predict the effect of missense changes on protein structure and function outputs the following: PolyPhen-2: "Benign". The leucine amino acid residue is found in multiple mammalian species, which suggests that this missense change does not adversely affect protein function. In summary, the available evidence is currently insufficient to determine the role of this variant in disease. Therefore, it has been classified as a Variant of Uncertain Significance.

Ambry Genetics
Classification: Uncertain significance for Inborn genetic diseases. Last evaluated: 2023-06-24. Review status: criteria provided, single submitter. Criteria: Ambry Variant Classification Scheme 2023. Collection method: clinical testing. Allele origin: germline.
Comment: The p.I427L variant (also known as c.1279A>C), located in coding exon 5 of the ATR gene, results from an A to C substitution at nucleotide position 1279. The isoleucine at codon 427 is replaced by leucine, an amino acid with highly similar properties. This amino acid position is conserved. In addition, this alteration is predicted to be tolerated by in silico analysis. Since supporting evidence is limited at this time, the clinical significance of this alteration remains unclear.